The following is an entry in ClinVar:

ClinVar aggregate classification (germline): Uncertain significance (1 of 4 stars; one submission).

Conditions:
Catecholaminergic polymorphic ventricular tachycardia (CVPT). Also called: Catecholamine-induced polymorphic ventricular tachycardia. Identifiers: Orphanet 3286, MedGen C5574922, MONDO:0017990.

Submission:

All of Us Research Program, National Institutes of Health
Classification: Uncertain significance for Catecholaminergic polymorphic ventricular tachycardia. Last evaluated: 2023-04-03. Review status: criteria provided, single submitter. Criteria: ACMG Guidelines, 2015. Collection method: clinical testing. Allele origin: germline. Inheritance: Autosomal dominant inheritance. Observed: 1 variant allele, 1 heterozygote.
Comment: This variant causes an A to G nucleotide substitution at the -2 position of intron 63 of the RYR2 gene. To our knowledge, functional studies have not been reported for this variant. This variant has not been reported in individuals affected with RYR2-related disorders in the literature. This variant has not been identified in the general population by the Genome Aggregation Database (gnomAD). The available evidence is insufficient to determine the role of this variant in disease conclusively. Therefore, this variant is classified as a Variant of Uncertain Significance.

This study involves interpretation of variants in research participants for the purpose of population health screening. Participant phenotype was not available at the time of variant classification. Additional details can be found in publication PMID: 35346344, PMCID: PMC8962531

NM_001035.3(RYR2):c.9068-2A>G

Gene: RYR2 (ryanodine receptor 2; plus strand). Cytogenetic location: 1q43.
Variant type: single nucleotide variant.
Coding change: c.9068-2A>G on transcript NM_001035.3 (MANE Select); the canonical splice acceptor site of the intron before coding-DNA position 9068, A replaced by G.
Molecular consequence: splice acceptor variant.
Genome position (GRCh38, 1-based): chr1:237,698,963, A>G. VCF-style: chr1-237698963-A-G. GRCh37 (hg19) VCF-style: chr1-237862263-A-G.
Identifiers: ClinVar variation 3070272 (VCV003070272.1), dbSNP rs2547355283, ClinGen allele CA345406470.